The following is an entry in ClinVar:

NM_001384732.1(CPLANE1):c.4918A>G (p.Met1640Val)

Gene: CPLANE1 (ciliogenesis and planar polarity effector complex subunit 1; minus strand). Cytogenetic location: 5p13.2.
Variant type: single nucleotide variant.
Coding change: c.4918A>G on transcript NM_001384732.1 (MANE Select); coding-DNA position 4918, A replaced by G.
Protein change: p.Met1640Val; replaces methionine 1640 with valine.
Molecular consequence: missense variant.
Genome position (GRCh38, 1-based): chr5:37,183,263, T>C on the plus strand (A>G on the coding strand, the complement: CPLANE1 is on the minus strand). VCF-style: chr5-37183263-T-C. GRCh37 (hg19) VCF-style: chr5-37183365-T-C.
Other names: c.4918A>G, p.Met1640Val (NM_023073.4); short protein forms M1640V.
Identifiers: ClinVar variation 1434693 (VCV001434693.7), dbSNP rs758900927, ClinGen allele CA3238632.

ClinVar aggregate classification (germline): Uncertain significance (1 of 4 stars; one submission).

Allele frequency attached by ClinVar (database versions not stated): gnomAD exomes below 0.00001 and 0.00001; gnomAD 0.00001; ExAC 0.00002.

Submission:

Labcorp Genetics (formerly Invitae), Labcorp
Classification: Uncertain significance. Last evaluated: 2025-09-02. Review status: criteria provided, single submitter. Criteria: Invitae Variant Classification Sherloc (09022015). Collection method: clinical testing. Allele origin: germline.
Comment: This sequence change replaces methionine, which is neutral and non-polar, with valine, which is neutral and non-polar, at codon 1640 of the CPLANE1 protein (p.Met1640Val). This variant is present in population databases (rs758900927, gnomAD 0.01%). This variant has not been reported in the literature in individuals affected with CPLANE1-related conditions. ClinVar contains an entry for this variant (Variation ID: 1434693). Invitae Evidence Modeling of protein sequence and biophysical properties (such as structural, functional, and spatial information, amino acid conservation, physicochemical variation, residue mobility, and thermodynamic stability) indicates that this missense variant is not expected to disrupt CPLANE1 protein function with a negative predictive value of 95%. In summary, the available evidence is currently insufficient to determine the role of this variant in disease. Therefore, it has been classified as a Variant of Uncertain Significance.